The following is an entry in ClinVar:

ClinVar aggregate classification (germline): Uncertain significance. Review status: criteria provided, multiple submitters, no conflicts (2 of 4 stars). 2 submissions from 2 submitters: Uncertain significance (2). Last evaluated 2020-10-15.

Allele frequency attached by ClinVar (database versions not stated): gnomAD 0.00001; 1000 Genomes Project 30x 0.00016; 1000 Genomes Project 0.00020; gnomAD exomes below 0.00001; ExAC 0.00001.
gnomAD v4.1: 6 of 1,613,542 alleles (0.00037%); highest among the groups gnomAD compares: South Asian, 0.0044%; no homozygotes.

Submissions (2):

Mayo Clinic Laboratories, Mayo Clinic
Classification: Uncertain significance. Last evaluated: 2020-10-15. Review status: criteria provided, single submitter. Criteria: ACMG Guidelines, 2015. Collection method: clinical testing. Allele origin: germline. Observed: 1 variant allele.

GeneDx
Classification: Uncertain significance. Last evaluated: 2019-09-04. Review status: criteria provided, single submitter. Criteria: GeneDx Variant Classification Process June 2021. Collection method: clinical testing. Allele origin: germline. Affected: yes.
Comment: Not observed at a significant frequency in large population cohorts (Lek et al., 2016); In silico analysis, which includes protein predictors and evolutionary conservation, supports a deleterious effect; Missense variant in a gene in which most reported pathogenic variants are truncating/loss-of-function; Has not been previously published as pathogenic or benign to our knowledge

NM_001267550.2(TTN):c.80461C>T (p.Pro26821Ser)

Genes: TTN (titin; minus strand), TTN-AS1 (TTN antisense RNA 1; plus strand). Cytogenetic location: 2q31.2.
Variant type: single nucleotide variant.
Coding change: c.80461C>T on transcript NM_001267550.2 (MANE Select); coding-DNA position 80461, C replaced by T.
Protein change: p.Pro26821Ser; replaces proline 26821 with serine.
Molecular consequence: missense variant.
Genome position (GRCh38, 1-based): chr2:178,565,671, G>A on the plus strand (C>T on the coding strand, the complement: TTN is on the minus strand). VCF-style: chr2-178565671-G-A. GRCh37 (hg19) VCF-style: chr2-179430398-G-A.
Other names: c.75538C>T, p.Pro25180Ser (NM_001256850.1); c.53266C>T, p.Pro17756Ser (NM_003319.4); c.72757C>T, p.Pro24253Ser (NM_133378.4); c.53641C>T, p.Pro17881Ser (NM_133432.3); c.53842C>T, p.Pro17948Ser (NM_133437.4); short protein forms P17756S, P17881S, P17948S, P24253S, P25180S, P26821S.
Identifiers: ClinVar variation 1163807 (VCV001163807.7), dbSNP rs560861418, ClinGen allele CA1989342.